The following is an entry in ClinVar:

NM_000465.4(BARD1):c.789T>A (p.Ser263Arg)

Gene: BARD1 (BRCA1 associated RING domain 1; minus strand). Cytogenetic location: 2q35.
Variant type: single nucleotide variant.
Coding change: c.789T>A on transcript NM_000465.4 (MANE Select); coding-DNA position 789, T replaced by A.
Protein change: p.Ser263Arg; replaces serine 263 with arginine.
Molecular consequence: missense variant. On other transcripts: non-coding transcript variant (2), intron variant (3).
Genome position (GRCh38, 1-based): chr2:214,781,085, A>T on the plus strand (T>A on the coding strand, the complement: BARD1 is on the minus strand). VCF-style: chr2-214781085-A-T. GRCh37 (hg19) VCF-style: chr2-215645809-A-T.
Other names: c.732T>A, p.Ser244Arg (NM_001282543.2); c.158+28327T>A (NM_001282548.2); c.215+15976T>A (NM_001282545.2); c.364+11212T>A (NM_001282549.2); short protein forms S244R, S263R.
Identifiers: ClinVar variation 2833038 (VCV002833038.3), dbSNP rs1345594874, ClinGen allele CA350455742.
Genomic context (GRCh38, chr2:214,781,085, plus strand): 5'-AGCCAATGGTAAAGAGACTTCAGTTAAACTTCCAAAACATTCAGATTCTGTCAAGGAGCC[A>T]CTTGCTAGTAAGTCTATTTCACCATTTATCTGAGGACTGGAGATAACAGATGGTTGGCTA-3'
Protein context (NP_000456.2, residues 253-273): QINGEIDLLA[Ser263Arg]GSLTESECFG

ClinVar aggregate classification (germline): Uncertain significance (1 of 4 stars; one submission).

Conditions:
Familial cancer of breast. Also called: hereditary breast carcinoma; BREAST CANCER, FAMILIAL; Hereditary breast cancer. Identifiers: Orphanet 227535, MedGen C0346153, MONDO:0016419, OMIM 114480. Disease mechanism: loss of function.

Submission:

Labcorp Genetics (formerly Invitae), Labcorp
Classification: Uncertain significance for Familial cancer of breast. Last evaluated: 2024-07-21. Review status: criteria provided, single submitter. Criteria: Invitae Variant Classification Sherloc (09022015). Collection method: clinical testing. Allele origin: germline.
Comment: This sequence change replaces serine, which is neutral and polar, with arginine, which is basic and polar, at codon 263 of the BARD1 protein (p.Ser263Arg). This variant is not present in population databases (gnomAD no frequency). This variant has not been reported in the literature in individuals affected with BARD1-related conditions. An algorithm developed to predict the effect of missense changes on protein structure and function (PolyPhen-2) suggests that this variant is likely to be disruptive. In summary, the available evidence is currently insufficient to determine the role of this variant in disease. Therefore, it has been classified as a Variant of Uncertain Significance.